The following is an entry in ClinVar:

NM_002187.3(IL12B):c.500G>A (p.Gly167Glu)

Gene: IL12B (interleukin 12B; minus strand). Cytogenetic location: 5q33.3.
Variant type: single nucleotide variant.
Coding change: c.500G>A on transcript NM_002187.3 (MANE Select); coding-DNA position 500, G replaced by A.
Protein change: p.Gly167Glu; replaces glycine 167 with glutamic acid.
Molecular consequence: missense variant.
Genome position (GRCh38, 1-based): chr5:159,320,503, C>T on the plus strand (G>A on the coding strand, the complement: IL12B is on the minus strand). VCF-style: chr5-159320503-C-T. GRCh37 (hg19) VCF-style: chr5-158747511-C-T.
Other names: short protein forms G167E.
Identifiers: ClinVar variation 645911 (VCV000645911.9), dbSNP rs1584753640, ClinGen allele CA362033010.

ClinVar aggregate classification (germline): Uncertain significance. Review status: criteria provided, multiple submitters, no conflicts (2 of 4 stars). 2 submissions from 2 submitters: Uncertain significance (2). Last evaluated 2025-04-13.

Conditions:
Mendelian susceptibility to mycobacterial diseases due to complete IL12B deficiency. Also called: Immunodeficiency 29; IL12B DEFICIENCY. Identifiers: Orphanet 319558, MedGen C4013948, MONDO:0013954, OMIM 614890.
Inborn genetic diseases. Identifiers: MedGen C0950123, MeSH D030342.

Allele frequency attached by ClinVar (database versions not stated): TOPMed below 0.00001; gnomAD exomes 0.00001.
gnomAD v4.1: 8 of 1,614,080 alleles (0.0005%); highest among the groups gnomAD compares: East Asian, 0.0022%; no homozygotes.

Submissions (2):

Ambry Genetics
Classification: Uncertain significance for Inborn genetic diseases. Last evaluated: 2025-04-13. Review status: criteria provided, single submitter. Criteria: Ambry Variant Classification Scheme 2023. Collection method: clinical testing. Allele origin: germline.

Labcorp Genetics (formerly Invitae), Labcorp
Classification: Uncertain significance for Mendelian susceptibility to mycobacterial diseases due to complete IL12B deficiency. Last evaluated: 2022-02-25. Review status: criteria provided, single submitter. Criteria: Invitae Variant Classification Sherloc (09022015). Collection method: clinical testing. Allele origin: germline.
Comment: Algorithms developed to predict the effect of missense changes on protein structure and function (SIFT, PolyPhen-2, Align-GVGD) all suggest that this variant is likely to be tolerated. In summary, the available evidence is currently insufficient to determine the role of this variant in disease. Therefore, it has been classified as a Variant of Uncertain Significance. Algorithms developed to predict the effect of sequence changes on RNA splicing suggest that this variant may disrupt the consensus splice site. ClinVar contains an entry for this variant (Variation ID: 645911). This variant has not been reported in the literature in individuals affected with IL12B-related conditions. This variant is not present in population databases (gnomAD no frequency). This sequence change replaces glycine, which is neutral and non-polar, with glutamic acid, which is acidic and polar, at codon 167 of the IL12B protein (p.Gly167Glu).